The following is an entry in ClinVar:

NM_206933.4(USH2A):c.10091T>C (p.Ile3364Thr)

Gene: USH2A (usherin; minus strand). Cytogenetic location: 1q41.
Variant type: single nucleotide variant.
Coding change: c.10091T>C on transcript NM_206933.4 (MANE Select); coding-DNA position 10091, T replaced by C.
Protein change: p.Ile3364Thr; replaces isoleucine 3364 with threonine.
Molecular consequence: missense variant.
Genome position (GRCh38, 1-based): chr1:215,790,150, A>G on the plus strand (T>C on the coding strand, the complement: USH2A is on the minus strand). VCF-style: chr1-215790150-A-G. GRCh37 (hg19) VCF-style: chr1-215963492-A-G.
Other names: short protein forms I3364T.
Identifiers: ClinVar variation 1960189 (VCV001960189.2), dbSNP rs2464419645, ClinGen allele CA344843878.

ClinVar aggregate classification (germline): Uncertain significance (1 of 4 stars; one submission).

Allele frequency attached by ClinVar (database versions not stated): gnomAD exomes 0.00001.
gnomAD v4.1: 8 of 1,613,976 alleles (0.0005%); highest among the groups gnomAD compares: South Asian, 0.0055%; no homozygotes.

Submission:

Labcorp Genetics (formerly Invitae), Labcorp
Classification: Uncertain significance. Last evaluated: 2022-08-10. Review status: criteria provided, single submitter. Criteria: Invitae Variant Classification Sherloc (09022015). Collection method: clinical testing. Allele origin: germline.
Comment: This sequence change replaces isoleucine, which is neutral and non-polar, with threonine, which is neutral and polar, at codon 3364 of the USH2A protein (p.Ile3364Thr). This variant is not present in population databases (gnomAD no frequency). This variant has not been reported in the literature in individuals affected with USH2A-related conditions. Algorithms developed to predict the effect of missense changes on protein structure and function are either unavailable or do not agree on the potential impact of this missense change (SIFT: "Tolerated"; PolyPhen-2: "Possibly Damaging"; Align-GVGD: "Class C0"). In summary, the available evidence is currently insufficient to determine the role of this variant in disease. Therefore, it has been classified as a Variant of Uncertain Significance.